The following is an entry in ClinVar:

NM_020937.4(FANCM):c.1565A>G (p.Gln522Arg)

Gene: FANCM (FA complementation group M; plus strand). Cytogenetic location: 14q21.2.
Variant type: single nucleotide variant.
Coding change: c.1565A>G on transcript NM_020937.4 (MANE Select); coding-DNA position 1565, A replaced by G.
Protein change: p.Gln522Arg; replaces glutamine 522 with arginine.
Molecular consequence: missense variant.
Genome position (GRCh38, 1-based): chr14:45,159,264, A>G. VCF-style: chr14-45159264-A-G. GRCh37 (hg19) VCF-style: chr14-45628467-A-G.
Other names: c.1487A>G, p.Gln496Arg (NM_001308133.2); c.1565A>G, p.Gln522Arg (NM_001308134.2); c.1565A>G (NM_020937.3); short protein forms Q522R, Q496R.
Identifiers: ClinVar variation 565803 (VCV000565803.15), dbSNP rs371569048, ClinGen allele CA7169083.

ClinVar aggregate classification (germline): Uncertain significance. Review status: criteria provided, multiple submitters, no conflicts (2 of 4 stars). 4 submissions from 4 submitters: Uncertain significance (4). Last evaluated 2025-10-01.

Conditions:
Spermatogenic failure 28. Identifiers: MedGen C4748117, MONDO:0054732, OMIM 618086.
Premature ovarian failure 15. Identifiers: MedGen C4748170, MONDO:0054862, OMIM 618096.
Fanconi anemia (FA). Also called: Fanconi's anemia. Identifiers: Orphanet 84, MedGen C0015625, MeSH D005199, MONDO:0019391.

Allele frequency attached by ClinVar (database versions not stated): gnomAD exomes 0.00001; TOPMed 0.00001; ExAC 0.00002; gnomAD 0.00002; ESP Exome Variant Server 0.00008.
gnomAD v4.1: 18 of 1,612,338 alleles (0.0011%); highest among the groups gnomAD compares: Non-Finnish European, 0.0015%; no homozygotes.

Submissions (4):

Labcorp Genetics (formerly Invitae), Labcorp
Classification: Uncertain significance for Fanconi anemia. Last evaluated: 2025-10-01. Review status: criteria provided, single submitter. Criteria: Invitae Variant Classification Sherloc (09022015). Collection method: clinical testing. Allele origin: germline.
Comment: This sequence change replaces glutamine, which is neutral and polar, with arginine, which is basic and polar, at codon 522 of the FANCM protein (p.Gln522Arg). This variant is present in population databases (rs371569048, gnomAD 0.002%). This variant has not been reported in the literature in individuals affected with FANCM-related conditions. ClinVar contains an entry for this variant (Variation ID: 565803). An algorithm developed to predict the effect of missense changes on protein structure and function (PolyPhen-2) suggests that this variant is likely to be disruptive. In summary, the available evidence is currently insufficient to determine the role of this variant in disease. Therefore, it has been classified as a Variant of Uncertain Significance.

Quest Diagnostics Nichols Institute San Juan Capistrano
Classification: Uncertain significance. Last evaluated: 2024-08-26. Review status: criteria provided, single submitter. Criteria: Quest Diagnostics criteria. Collection method: clinical testing. Allele origin: unknown.
Comment: The FANCM c.1565A>G (p.Gln522Arg) variant has not been reported in individuals with FANCM-related conditions in the published literature. The frequency of this variant in the general population, 0.000023 (3/128866 chromosomes (Genome Aggregation Database)), is uninformative in the assessment of its pathogenicity. Analysis of this variant using bioinformatics tools for the prediction of the effect of amino acid changes on protein structure and function yielded predictions that this variant is damaging. Based on the available information, we are unable to determine the clinical significance of this variant.

GeneDx
Classification: Uncertain significance. Last evaluated: 2024-02-28. Review status: criteria provided, single submitter. Criteria: GeneDx Variant Classification Process June 2021. Collection method: clinical testing. Allele origin: germline. Affected: yes.
Comment: Not observed at significant frequency in large population cohorts (gnomAD); In silico analysis supports that this missense variant has a deleterious effect on protein structure/function; Has not been previously published as pathogenic or benign to our knowledge

Fulgent Genetics
Classification: Uncertain significance for Spermatogenic failure 28; Premature ovarian failure 15. Last evaluated: 2021-08-05. Review status: criteria provided, single submitter. Criteria: ACMG Guidelines, 2015. Collection method: clinical testing. Allele origin: unknown.